The following is an entry in ClinVar:

NM_001009944.3(PKD1):c.8614del (p.Ile2872fs)

Gene: PKD1 (polycystin 1, transient receptor potential channel interacting; minus strand). Cytogenetic location: 16p13.3.
Variant type: Deletion.
Coding change: c.8614del on transcript NM_001009944.3 (MANE Select); coding-DNA position 8614, one base deleted (A; older notation c.8614delA).
Protein change: p.Ile2872fs; shifts the reading frame from isoleucine 2872.
Molecular consequence: frameshift variant.
Genome position (GRCh38, 1-based): chr16:2,103,443, T deleted on the plus strand (A on the coding strand, the reverse complement: PKD1 is on the minus strand). VCF-style (leftmost placement, unchanged base first): chr16-2103442-AT-A. GRCh37 (hg19) VCF-style: chr16-2153443-AT-A.
Other names: c.8614del, p.Ile2872fs (NM_000296.4); c.8614delA, p.Ile2872Serfs (NM_001009944.2); short protein forms I2872fs.
Identifiers: ClinVar variation 3338784 (VCV003338784.2).
Genomic context (GRCh38, chr16:2,103,442, plus strand): 5'-TTGGCGGAGCTGCGGTGGCCCCGGGCAGCCCAGTCCGAGTTGTTGGGCACCTTCACGGTG[AT>A]GGCGCGCTCTGAGGCCAGCCGCTCGATGGGGATCTGGGCGCCGGCCTGTGTCTGGAATGC-3'

ClinVar aggregate classification (germline): Pathogenic. Review status: criteria provided, multiple submitters, no conflicts (2 of 4 stars). 2 submissions from 2 submitters: Pathogenic (2). Last evaluated 2024-03-08.

Conditions:
PKD1-related disorder. Also called: PKD1-related condition.

Submissions (2):

GeneDx
Classification: Pathogenic. Last evaluated: 2024-03-08. Review status: criteria provided, single submitter. Criteria: GeneDx Variant Classification Process June 2021. Collection method: clinical testing. Allele origin: germline. Affected: yes.
Comment: Frameshift variant predicted to result in protein truncation or nonsense mediated decay in a gene for which loss of function is a known mechanism of disease; Not observed at significant frequency in large population cohorts (gnomAD); This variant is associated with the following publications: (PMID: 36938073, 22185115)

Blueprint Genetics
Classification: Pathogenic for PKD1-related disorders. Last evaluated: 2020-12-02. Review status: criteria provided, single submitter. Criteria: ACMG Guidelines, 2015. Collection method: clinical testing. Allele origin: germline. Affected: yes. Observed: 1 variant allele.